The following is an entry in ClinVar:

NM_005591.4(MRE11):c.7A>G (p.Thr3Ala)

Gene: MRE11 (MRE11 double strand break repair nuclease; minus strand). Cytogenetic location: 11q21.
Variant type: single nucleotide variant.
Coding change: c.7A>G on transcript NM_005591.4 (MANE Select); coding-DNA position 7, A replaced by G.
Protein change: p.Thr3Ala; replaces threonine 3 with alanine.
Molecular consequence: missense variant.
Genome position (GRCh38, 1-based): chr11:94,492,795, T>C on the plus strand (A>G on the coding strand, the complement: MRE11 is on the minus strand). VCF-style: chr11-94492795-T-C. GRCh37 (hg19) VCF-style: chr11-94225961-T-C.
Other names: c.7A>G, p.Thr3Ala (NM_001330347.2, NM_005590.4); short protein forms T3A.
Identifiers: ClinVar variation 231050 (VCV000231050.15), dbSNP rs876658926, ClinGen allele CA10579429.

ClinVar aggregate classification (germline): Uncertain significance. Review status: criteria provided, multiple submitters, no conflicts (2 of 4 stars). 2 submissions from 2 submitters: Uncertain significance (2). Last evaluated 2025-10-28.

Conditions:
Hereditary cancer-predisposing syndrome. Also called: Neoplastic Syndromes, Hereditary; Tumor predisposition; Hereditary Cancer Syndrome; Hereditary neoplastic syndrome. Identifiers: Orphanet 140162, MedGen C0027672, MeSH D009386, MONDO:0015356.
Ataxia-telangiectasia-like disorder (ATLD). Identifiers: MedGen C1858391, MONDO:0011457.

Allele frequency attached by ClinVar (database versions not stated): gnomAD exomes 0.00001.
gnomAD v4.1: 12 of 1,613,900 alleles (0.00074%); highest among the groups gnomAD compares: South Asian, 0.0022%; no homozygotes.

Submissions (2):

Ambry Genetics
Classification: Uncertain significance for Hereditary cancer-predisposing syndrome. Last evaluated: 2025-10-28. Review status: criteria provided, single submitter. Criteria: Ambry Variant Classification Scheme 2023. Collection method: clinical testing. Allele origin: germline.
Comment: The p.T3A variant (also known as c.7A>G), located in coding exon 1 of the MRE11A gene, results from an A to G substitution at nucleotide position 7. The threonine at codon 3 is replaced by alanine, an amino acid with similar properties. This amino acid position is poorly conserved in available vertebrate species. In addition, this alteration is predicted to be tolerated by in silico analysis. Since supporting evidence is limited at this time, the clinical significance of this alteration remains unclear.

Labcorp Genetics (formerly Invitae), Labcorp
Classification: Uncertain significance for Ataxia-telangiectasia-like disorder. Last evaluated: 2023-07-07. Review status: criteria provided, single submitter. Criteria: Invitae Variant Classification Sherloc (09022015). Collection method: clinical testing. Allele origin: germline.
Comment: ClinVar contains an entry for this variant (Variation ID: 231050). This sequence change replaces threonine, which is neutral and polar, with alanine, which is neutral and non-polar, at codon 3 of the MRE11 protein (p.Thr3Ala). This variant is present in population databases (no rsID available, gnomAD 0.002%). This variant has not been reported in the literature in individuals affected with MRE11-related conditions. An algorithm developed to predict the effect of missense changes on protein structure and function (PolyPhen-2) suggests that this variant is likely to be tolerated. In summary, the available evidence is currently insufficient to determine the role of this variant in disease. Therefore, it has been classified as a Variant of Uncertain Significance.